The following is an entry in ClinVar:

NM_006204.4(PDE6C):c.1636A>T (p.Thr546Ser)

Gene: PDE6C (phosphodiesterase 6C; plus strand). Cytogenetic location: 10q23.33.
Variant type: single nucleotide variant.
Coding change: c.1636A>T on transcript NM_006204.4 (MANE Select); coding-DNA position 1636, A replaced by T.
Protein change: p.Thr546Ser; replaces threonine 546 with serine.
Molecular consequence: missense variant.
Genome position (GRCh38, 1-based): chr10:93,640,456, A>T. VCF-style: chr10-93640456-A-T. GRCh37 (hg19) VCF-style: chr10-95400213-A-T.
Other names: short protein forms T546S.
Identifiers: ClinVar variation 3775828 (VCV003775828.1).

ClinVar aggregate classification (germline): Uncertain significance (1 of 4 stars; one submission).

Conditions:
Cone dystrophy 4 (COD4). Identifiers: Orphanet 49382, MedGen C2751308, MONDO:0013129, OMIM 613093.

Submission:

3billion
Classification: Uncertain significance for Cone dystrophy 4. Last evaluated: 2024-02-04. Review status: criteria provided, single submitter. Criteria: ACMG Guidelines, 2015. Collection method: clinical testing. Allele origin: germline. Affected: yes.
Comment: The variant is not observed in the gnomAD v2.1.1 dataset. Predicted Consequence/Location: Missense variant In silico tool predictions suggest damaging effect of the variant on gene or gene product [3Cnet: 0.77 (>=0.6, sensitivity 0.72 and precision 0.9)]. Therefore, this variant is classified as VUS according to the recommendation of ACMG/AMP guideline.